The following is an entry in ClinVar:

ClinVar aggregate classification (germline): Uncertain significance (1 of 4 stars; one submission).

Conditions:
Catecholaminergic polymorphic ventricular tachycardia 1. Also called: VENTRICULAR TACHYCARDIA, STRESS-INDUCED POLYMORPHIC 1; RYR2-Related Catecholaminergic Polymorphic Ventricular Tachycardia; VENTRICULAR TACHYCARDIA, CATECHOLAMINERGIC POLYMORPHIC, 1, WITH OR WITHOUT ATRIAL DYSFUNCTION AND/OR DILATED CARDIOMYOPATHY. Identifiers: Orphanet 3286, MedGen C1631597, MONDO:0011484, OMIM 604772.

gnomAD v4.1: 3 of 1,603,184 alleles (0.00019%); highest among the groups gnomAD compares: Non-Finnish European, 0.00026%; no homozygotes.

Submission:

Labcorp Genetics (formerly Invitae), Labcorp
Classification: Uncertain significance for Catecholaminergic polymorphic ventricular tachycardia 1. Last evaluated: 2025-09-14. Review status: criteria provided, single submitter. Criteria: Invitae Variant Classification Sherloc (09022015). Collection method: clinical testing. Allele origin: germline.
Comment: This sequence change replaces histidine, which is basic and polar, with arginine, which is basic and polar, at codon 3111 of the RYR2 protein (p.His3111Arg). This variant is not present in population databases (gnomAD no frequency). This variant has not been reported in the literature in individuals affected with RYR2-related conditions. Invitae Evidence Modeling of protein sequence and biophysical properties (such as structural, functional, and spatial information, amino acid conservation, physicochemical variation, residue mobility, and thermodynamic stability) indicates that this missense variant is not expected to disrupt RYR2 protein function with a negative predictive value of 95%. In summary, the available evidence is currently insufficient to determine the role of this variant in disease. Therefore, it has been classified as a Variant of Uncertain Significance.

NM_001035.3(RYR2):c.9332A>G (p.His3111Arg)

Gene: RYR2 (ryanodine receptor 2; plus strand). Cytogenetic location: 1q43.
Variant type: single nucleotide variant.
Coding change: c.9332A>G on transcript NM_001035.3 (MANE Select); coding-DNA position 9332, A replaced by G.
Protein change: p.His3111Arg; replaces histidine 3111 with arginine.
Molecular consequence: missense variant.
Genome position (GRCh38, 1-based): chr1:237,700,432, A>G. VCF-style: chr1-237700432-A-G. GRCh37 (hg19) VCF-style: chr1-237863732-A-G.
Other names: short protein forms H3111R.
Identifiers: ClinVar variation 4800103 (VCV004800103.1).